The following is an entry in ClinVar:

NM_001029896.2(WDR45):c.517-2A>G

Gene: WDR45 (WD repeat domain 45; minus strand). Cytogenetic location: Xp11.23.
Variant type: single nucleotide variant.
Coding change: c.517-2A>G on transcript NM_001029896.2 (MANE Select); the canonical splice acceptor site of the intron before coding-DNA position 517, A replaced by G.
Molecular consequence: splice acceptor variant.
Genome position (GRCh38, 1-based): chrX:49,075,755, T>C on the plus strand (A>G on the coding strand, the complement: WDR45 is on the minus strand). VCF-style: chrX-49075755-T-C. GRCh37 (hg19) VCF-style: chrX-48933414-T-C.
Other names: c.520-2A>G (NM_007075.4).
Identifiers: ClinVar variation 659190 (VCV000659190.9), dbSNP rs1602538148, ClinGen allele CA412945038.

ClinVar aggregate classification (germline): Pathogenic (1 of 4 stars; one submission).

Conditions:
Neurodegeneration with brain iron accumulation 5 (NBIA5). Also called: Beta-propeller protein-associated neurodegeneration; STATIC ENCEPHALOPATHY OF CHILDHOOD WITH NEURODEGENERATION IN ADULTHOOD. Identifiers: Orphanet 329284, MedGen C3550973, MONDO:0010476, OMIM 300894.

Submission:

Labcorp Genetics (formerly Invitae), Labcorp
Classification: Pathogenic for Neurodegeneration with brain iron accumulation 5. Last evaluated: 2018-10-18. Review status: criteria provided, single submitter. Criteria: Invitae Variant Classification Sherloc (09022015). Collection method: clinical testing. Allele origin: germline.
Comment: This variant is not present in population databases (ExAC no frequency). For these reasons, this variant has been classified as Pathogenic. Donor and acceptor splice site variants typically lead to a loss of protein function (PMID: 16199547), and loss-of-function variants in WDR45 are known to be pathogenic (PMID: 23176820, 24368176, 24621584, 25744623, 26790960, 27030146, 27652284, 28554332). Algorithms developed to predict the effect of sequence changes on RNA splicing suggest that this variant may disrupt the consensus splice site, but this prediction has not been confirmed by published transcriptional studies. This sequence change affects an acceptor splice site in intron 8 of the WDR45 gene. It is expected to disrupt RNA splicing and likely results in an absent or disrupted protein product.

Literature cited by the submitters: PubMed 16199547; PubMed 23176820; PubMed 24368176; PubMed 24621584; PubMed 25744623; PubMed 26790960; PubMed 27030146; PubMed 27652284; PubMed 28554332.